The following is an entry in ClinVar:

ClinVar aggregate classification (germline): Uncertain significance (1 of 4 stars; one submission).

Allele frequency attached by ClinVar (database versions not stated): TOPMed below 0.00001; ExAC 0.00001.
gnomAD v4.1: 63 of 1,613,280 alleles (0.0039%); highest among the groups gnomAD compares: Non-Finnish European, 0.0053%; no homozygotes.

Submission:

Labcorp Genetics (formerly Invitae), Labcorp
Classification: Uncertain significance. Last evaluated: 2022-07-31. Review status: criteria provided, single submitter. Criteria: Invitae Variant Classification Sherloc (09022015). Collection method: clinical testing. Allele origin: germline.
Comment: This sequence change replaces lysine, which is basic and polar, with arginine, which is basic and polar, at codon 1687 of the CPLANE1 protein (p.Lys1687Arg). This variant is present in population databases (rs767457866, gnomAD 0.002%). This variant has not been reported in the literature in individuals affected with CPLANE1-related conditions. Advanced modeling of protein sequence and biophysical properties (such as structural, functional, and spatial information, amino acid conservation, physicochemical variation, residue mobility, and thermodynamic stability) performed at Invitae indicates that this missense variant is not expected to disrupt CPLANE1 protein function. In summary, the available evidence is currently insufficient to determine the role of this variant in disease. Therefore, it has been classified as a Variant of Uncertain Significance.

NM_001384732.1(CPLANE1):c.5060A>G (p.Lys1687Arg)

Gene: CPLANE1 (ciliogenesis and planar polarity effector complex subunit 1; minus strand). Cytogenetic location: 5p13.2.
Variant type: single nucleotide variant.
Coding change: c.5060A>G on transcript NM_001384732.1 (MANE Select); coding-DNA position 5060, A replaced by G.
Protein change: p.Lys1687Arg; replaces lysine 1687 with arginine.
Molecular consequence: missense variant.
Genome position (GRCh38, 1-based): chr5:37,183,121, T>C on the plus strand (A>G on the coding strand, the complement: CPLANE1 is on the minus strand). VCF-style: chr5-37183121-T-C. GRCh37 (hg19) VCF-style: chr5-37183223-T-C.
Other names: c.5060A>G, p.Lys1687Arg (NM_023073.4); short protein forms K1687R.
Identifiers: ClinVar variation 2155555 (VCV002155555.1), dbSNP rs767457866, ClinGen allele CA3238607.